The following is an entry in ClinVar:

NM_172364.5(CACNA2D4):c.2922-8T>A

Gene: CACNA2D4 (calcium voltage-gated channel auxiliary subunit alpha2delta 4; minus strand). Cytogenetic location: 12p13.33.
Variant type: single nucleotide variant.
Coding change: c.2922-8T>A on transcript NM_172364.5 (MANE Select); 8 bases into the intron before coding-DNA position 2922, T replaced by A.
Molecular consequence: intron variant.
Genome position (GRCh38, 1-based): chr12:1,800,060, A>T on the plus strand (T>A on the coding strand, the complement: CACNA2D4 is on the minus strand). VCF-style: chr12-1800060-A-T. GRCh37 (hg19) VCF-style: chr12-1909226-A-T.
Identifiers: ClinVar variation 2721436 (VCV002721436.3), dbSNP rs776744358, ClinGen allele CA6386130.

ClinVar aggregate classification (germline): Uncertain significance (1 of 4 stars; one submission).

Allele frequency attached by ClinVar (database versions not stated): gnomAD 0.00001; gnomAD exomes 0.00001; TOPMed 0.00001; ExAC 0.00004.
gnomAD v4.1: 9 of 1,596,680 alleles (0.00056%); highest among the groups gnomAD compares: Non-Finnish European, 0.00077%; no homozygotes.

Submission:

Labcorp Genetics (formerly Invitae), Labcorp
Classification: Uncertain significance. Last evaluated: 2023-05-05. Review status: criteria provided, single submitter. Criteria: Invitae Variant Classification Sherloc (09022015). Collection method: clinical testing. Allele origin: germline.
Comment: In summary, the available evidence is currently insufficient to determine the role of this variant in disease. Therefore, it has been classified as a Variant of Uncertain Significance. Algorithms developed to predict the effect of sequence changes on RNA splicing suggest that this variant may disrupt the consensus splice site. This variant has not been reported in the literature in individuals affected with CACNA2D4-related conditions. This variant is present in population databases (rs776744358, gnomAD 0.001%). This sequence change falls in intron 32 of the CACNA2D4 gene. It does not directly change the encoded amino acid sequence of the CACNA2D4 protein.